The following is an entry in ClinVar:

NM_000426.4(LAMA2):c.3072C>A (p.Asp1024Glu)

Gene: LAMA2 (laminin subunit alpha 2; plus strand). Cytogenetic location: 6q22.33.
Variant type: single nucleotide variant.
Coding change: c.3072C>A on transcript NM_000426.4 (MANE Select); coding-DNA position 3072, C replaced by A.
Protein change: p.Asp1024Glu; replaces aspartic acid 1024 with glutamic acid.
Molecular consequence: missense variant.
Genome position (GRCh38, 1-based): chr6:129,300,770, C>A. VCF-style: chr6-129300770-C-A. GRCh37 (hg19) VCF-style: chr6-129621915-C-A.
Other names: c.3072C>A, p.Asp1024Glu (NM_001079823.2); short protein forms D1024E.
Identifiers: ClinVar variation 580606 (VCV000580606.6), dbSNP rs1288474892, ClinGen allele CA365611387.

ClinVar aggregate classification (germline): Uncertain significance. Review status: criteria provided, multiple submitters, no conflicts (2 of 4 stars). 2 submissions from 2 submitters: Uncertain significance (2). Last evaluated 2025-06-23.

Conditions:
LAMA2-related muscular dystrophy (LAMA2-RD). Also called: Laminin alpha 2-related dystrophy. Identifiers: MedGen C5679788, MONDO:0100228.

Allele frequency attached by ClinVar (database versions not stated): gnomAD exomes 0.00001; TOPMed 0.00002.
gnomAD v4.1: 5 of 1,613,740 alleles (0.00031%); highest among the groups gnomAD compares: Non-Finnish European, 0.00042%; no homozygotes.

Submissions (2):

Labcorp Genetics (formerly Invitae), Labcorp
Classification: Uncertain significance for LAMA2-related muscular dystrophy. Last evaluated: 2025-06-23. Review status: criteria provided, single submitter. Criteria: Invitae Variant Classification Sherloc (09022015). Collection method: clinical testing. Allele origin: germline.
Comment: This sequence change replaces aspartic acid, which is acidic and polar, with glutamic acid, which is acidic and polar, at codon 1024 of the LAMA2 protein (p.Asp1024Glu). This variant is not present in population databases (gnomAD no frequency). This variant has not been reported in the literature in individuals affected with LAMA2-related conditions. ClinVar contains an entry for this variant (Variation ID: 580606). Invitae Evidence Modeling of protein sequence and biophysical properties (such as structural, functional, and spatial information, amino acid conservation, physicochemical variation, residue mobility, and thermodynamic stability) indicates that this missense variant is not expected to disrupt LAMA2 protein function with a negative predictive value of 95%. In summary, the available evidence is currently insufficient to determine the role of this variant in disease. Therefore, it has been classified as a Variant of Uncertain Significance.

Revvity Omics, Revvity
Classification: Uncertain significance. Last evaluated: 2024-09-18. Review status: criteria provided, single submitter. Criteria: ACMG Guidelines, 2015. Collection method: clinical testing. Allele origin: germline.